The following is an entry in ClinVar:

NM_001384474.1(LOXHD1):c.3094_3095insT (p.Asn1032fs)

Gene: LOXHD1 (lipoxygenase homology PLAT domains 1; minus strand). Cytogenetic location: 18q21.1.
Variant type: Insertion.
Coding change: c.3094_3095insT on transcript NM_001384474.1 (MANE Select); coding-DNA positions 3094 to 3095, T inserted.
Protein change: p.Asn1032fs; shifts the reading frame from asparagine 1032.
Molecular consequence: frameshift variant.
Genome position: GRCh38 VCF-style: chr18-46559569-T-TA. GRCh37 (hg19) VCF-style: chr18-44139532-T-TA.
Other names: c.3094_3095insT, p.Asn1032fs (NM_144612.7); short protein forms N1032fs.
Identifiers: ClinVar variation 1068488 (VCV001068488.7), dbSNP rs2144003933, ClinGen allele CA2499225173.

ClinVar aggregate classification (germline): Pathogenic (1 of 4 stars; one submission).

Allele frequency attached by ClinVar (database versions not stated): gnomAD exomes below 0.00001.

Submission:

Labcorp Genetics (formerly Invitae), Labcorp
Classification: Pathogenic. Last evaluated: 2020-01-06. Review status: criteria provided, single submitter. Criteria: Invitae Variant Classification Sherloc (09022015). Collection method: clinical testing. Allele origin: germline.
Comment: For these reasons, this variant has been classified as Pathogenic. Loss-of-function variants in LOXHD1 are known to be pathogenic (PMID: 19732867, 21465660, 25792669). This variant has not been reported in the literature in individuals with LOXHD1-related conditions. This variant is not present in population databases (ExAC no frequency). This sequence change creates a premature translational stop signal (p.Asn1032Ilefs*8) in the LOXHD1 gene. It is expected to result in an absent or disrupted protein product.

Literature cited by the submitters: PubMed 19732867; PubMed 21465660; PubMed 25792669.